The following is an entry in ClinVar:

NM_001080510.5(METTL23):c.136G>C (p.Glu46Gln)

Gene: METTL23 (methyltransferase 23, arginine; plus strand). Cytogenetic location: 17q25.1.
Variant type: single nucleotide variant.
Coding change: c.136G>C on transcript NM_001080510.5 (MANE Select); coding-DNA position 136, G replaced by C.
Protein change: p.Glu46Gln; replaces glutamic acid 46 with glutamine.
Molecular consequence: missense variant. On other transcripts: 5 prime UTR variant (5).
Genome position (GRCh38, 1-based): chr17:76,733,029, G>C. VCF-style: chr17-76733029-G-C. GRCh37 (hg19) VCF-style: chr17-74729111-G-C.
Other names: c.136G>C, p.Glu46Gln (NM_001206983.3, NM_001206984.3, NM_001302703.2 and 2 more transcripts); c.-66G>C (NM_001206985.3, NM_001206986.3, NM_001206987.3 and 2 more transcripts); c.124G>C, p.Glu42Gln (NM_001302705.2, NM_001378350.1, NM_001378351.1 and 2 more transcripts); short protein forms E46Q, E42Q.
Identifiers: ClinVar variation 376858 (VCV000376858.10), dbSNP rs114299201, ClinGen allele CA8790072.

ClinVar aggregate classification (germline): Benign/Likely benign. Review status: criteria provided, multiple submitters, no conflicts (2 of 4 stars). 4 submissions from 4 submitters: Benign (1); Likely benign (2). 1 of the submissions does not count toward it. Last evaluated 2019-12-31.

Conditions:
METTL23-related disorder. Also called: METTL23-related condition.

Allele frequency attached by ClinVar (database versions not stated): ExAC 0.00401; ESP Exome Variant Server 0.00619; gnomAD 0.00689 and 0.00742; 1000 Genomes Project 0.00779; TOPMed 0.00789; 1000 Genomes Project 30x 0.00874.

Submissions (4):

Labcorp Genetics (formerly Invitae), Labcorp
Classification: Benign. Last evaluated: 2019-12-31. Review status: criteria provided, single submitter. Criteria: Invitae Variant Classification Sherloc (09022015). Collection method: clinical testing. Allele origin: germline.

Center for Pediatric Genomic Medicine, Children's Mercy Hospital and Clinics
Classification: Likely benign. Last evaluated: 2017-01-05. Review status: criteria provided, single submitter. Criteria: ACMG Guidelines, 2015. Collection method: clinical testing. Allele origin: germline.
ClinVar note: Converted during submission from Likely Benign to Likely benign.

Breakthrough Genomics
Classification: Likely benign. Review status: criteria provided, single submitter. Criteria: ACMG Guidelines, 2015. Collection method: not provided. Allele origin: germline. Inheritance: Autosomal recessive inheritance. Affected: yes.

PreventionGenetics, part of Exact Sciences
Classification: Benign for METTL23-related condition. Last evaluated: 2019-09-06. Review status: no assertion criteria provided. Collection method: clinical testing. Allele origin: germline. Not counted in ClinVar's aggregate classification.
Comment: This variant is classified as benign based on ACMG/AMP sequence variant interpretation guidelines (Richards et al. 2015 PMID: 25741868, with internal and published modifications).